The following is an entry in ClinVar:

ClinVar aggregate classification (germline): Uncertain significance. Review status: criteria provided, multiple submitters, no conflicts (2 of 4 stars). 2 submissions from 2 submitters: Uncertain significance (2). Last evaluated 2025-07-28.

Allele frequency attached by ClinVar (database versions not stated): ExAC 0.00005; TOPMed 0.00006; gnomAD exomes 0.00007; 1000 Genomes Project 30x 0.00016; 1000 Genomes Project 0.00020.

Submissions (2):

Labcorp Genetics (formerly Invitae), Labcorp
Classification: Uncertain significance. Last evaluated: 2025-07-28. Review status: criteria provided, single submitter. Criteria: Invitae Variant Classification Sherloc (09022015). Collection method: clinical testing. Allele origin: germline.
Comment: This sequence change replaces cysteine, which is neutral and slightly polar, with phenylalanine, which is neutral and non-polar, at codon 553 of the LRIT3 protein (p.Cys553Phe). This variant is present in population databases (rs551139098, gnomAD 0.09%). This missense change has been observed in individual(s) with clinical features of LRIT3-related conditions (PMID: 37191617). ClinVar contains an entry for this variant (Variation ID: 957305). An algorithm developed to predict the effect of missense changes on protein structure and function (PolyPhen-2) suggests that this variant is likely to be disruptive. In summary, the available evidence is currently insufficient to determine the role of this variant in disease. Therefore, it has been classified as a Variant of Uncertain Significance.

Blueprint Genetics
Classification: Uncertain significance. Last evaluated: 2023-10-06. Review status: criteria provided, single submitter. Criteria: ACMG Guidelines, 2015. Collection method: clinical testing. Allele origin: germline.

Literature cited by the submitters: PubMed 37191617 (cited by Labcorp Genetics (formerly Invitae), Labcorp).

NM_198506.5(LRIT3):c.1658G>T (p.Cys553Phe)

Gene: LRIT3 (leucine rich repeat, Ig-like and transmembrane domains 3; plus strand). Cytogenetic location: 4q25.
Variant type: single nucleotide variant.
Coding change: c.1658G>T on transcript NM_198506.5 (MANE Select); coding-DNA position 1658, G replaced by T.
Protein change: p.Cys553Phe; replaces cysteine 553 with phenylalanine.
Molecular consequence: missense variant.
Genome position (GRCh38, 1-based): chr4:109,870,407, G>T. VCF-style: chr4-109870407-G-T. GRCh37 (hg19) VCF-style: chr4-110791563-G-T.
Other names: short protein forms C553F.
Identifiers: ClinVar variation 957305 (VCV000957305.6), dbSNP rs551139098, ClinGen allele CA3043236.